The following is an entry in ClinVar:

ClinVar aggregate classification (germline): Uncertain significance. Review status: criteria provided, multiple submitters, no conflicts (2 of 4 stars). 2 submissions from 2 submitters: Uncertain significance (2). Last evaluated 2024-09-26.

Conditions:
Fanconi anemia (FA). Also called: Fanconi's anemia. Identifiers: Orphanet 84, MedGen C0015625, MeSH D005199, MONDO:0019391.
Fanconi anemia complementation group I (FANCI). Also called: FANCI-Related Fanconi Anemia. Identifiers: Orphanet 84, MedGen C1836861, MONDO:0012186, OMIM 609053.

Allele frequency attached by ClinVar (database versions not stated): gnomAD exomes below 0.00001; ExAC 0.00001.

Submissions (2):

Labcorp Genetics (formerly Invitae), Labcorp
Classification: Uncertain significance for Fanconi anemia. Last evaluated: 2024-09-26. Review status: criteria provided, single submitter. Criteria: Invitae Variant Classification Sherloc (09022015). Collection method: clinical testing. Allele origin: germline.
Comment: This sequence change replaces glutamic acid, which is acidic and polar, with lysine, which is basic and polar, at codon 1093 of the FANCI protein (p.Glu1093Lys). This variant is present in population databases (rs758575911, gnomAD 0.0009%). This variant has not been reported in the literature in individuals affected with FANCI-related conditions. ClinVar contains an entry for this variant (Variation ID: 886757). An algorithm developed to predict the effect of missense changes on protein structure and function (PolyPhen-2) suggests that this variant is likely to be tolerated. In summary, the available evidence is currently insufficient to determine the role of this variant in disease. Therefore, it has been classified as a Variant of Uncertain Significance.

Illumina Laboratory Services, Illumina
Classification: Uncertain significance for Fanconi anemia complementation group I. Last evaluated: 2018-01-13. Review status: criteria provided, single submitter. Criteria: ICSL Variant Classification Criteria 13 December 2019. Collection method: clinical testing. Allele origin: germline.

NM_001113378.2(FANCI):c.3277G>A (p.Glu1093Lys)

Gene: FANCI (FA complementation group I; plus strand). Cytogenetic location: 15q26.1.
Variant type: single nucleotide variant.
Coding change: c.3277G>A on transcript NM_001113378.2 (MANE Select); coding-DNA position 3277, G replaced by A.
Protein change: p.Glu1093Lys; replaces glutamic acid 1093 with lysine.
Molecular consequence: missense variant.
Genome position (GRCh38, 1-based): chr15:89,305,626, G>A. VCF-style: chr15-89305626-G-A. GRCh37 (hg19) VCF-style: chr15-89848857-G-A.
Other names: c.2998G>A, p.Glu1000Lys (NM_001376910.1); c.3277G>A, p.Glu1093Lys (NM_001376911.1); c.3097G>A, p.Glu1033Lys (NM_018193.3); short protein forms E1000K, E1033K, E1093K.
Identifiers: ClinVar variation 886757 (VCV000886757.8), dbSNP rs758575911, ClinGen allele CA7723672.